The following is an entry in ClinVar:

NM_020919.4(ALS2):c.3666A>T (p.Glu1222Asp)

Gene: ALS2 (alsin Rho guanine nucleotide exchange factor ALS2; minus strand). Cytogenetic location: 2q33.1.
Variant type: single nucleotide variant.
Coding change: c.3666A>T on transcript NM_020919.4 (MANE Select); coding-DNA position 3666, A replaced by T.
Protein change: p.Glu1222Asp; replaces glutamic acid 1222 with aspartic acid.
Molecular consequence: missense variant.
Genome position (GRCh38, 1-based): chr2:201,723,079, T>A on the plus strand (A>T on the coding strand, the complement: ALS2 is on the minus strand). VCF-style: chr2-201723079-T-A. GRCh37 (hg19) VCF-style: chr2-202587802-T-A.
Other names: c.3666A>T, p.Glu1222Asp (NM_001410975.1); c.3666A>T (NM_020919.3); short protein forms E1222D.
Identifiers: ClinVar variation 2167045 (VCV002167045.5), dbSNP rs754647417, ClinGen allele CA2057797.
Genomic context (GRCh38, chr2:201,723,079, plus strand): 5'-AAAAAAAGAAAGCTAGTTTCCAACCTTTCCACTAAGAGTCCAGTCATCTGAAAATTCTCC[T>A]TCATAGATAGTATCATCTTCGGAAAGCAAAACCCCATTTCCCTACAAGAAGAAACAAGAG-3'
Protein context (NP_065970.2, residues 1212-1232): VLLSEDDTIY[Glu1222Asp]GEFSDDWTLS

ClinVar aggregate classification (germline): Uncertain significance. Review status: criteria provided, multiple submitters, no conflicts (2 of 4 stars). 2 submissions from 2 submitters: Uncertain significance (2). Last evaluated 2025-08-29.

Conditions:
Inborn genetic diseases. Identifiers: MedGen C0950123, MeSH D030342.
Infantile-onset ascending hereditary spastic paralysis (IAHSP). Also called: Infantile-Onset Ascending Hereditary Spastic Paralysis (IAHSP); Autosomal Recessive Juvenile Amyotrophic Lateral Sclerosis. Identifiers: Orphanet 293168, MedGen C2931441, MONDO:0011797, OMIM 607225. Disease mechanism: loss of function.

Allele frequency attached by ClinVar (database versions not stated): TOPMed below 0.00001; ExAC 0.00002; gnomAD 0.00003; gnomAD exomes 0.00005.

Submissions (2):

Ambry Genetics
Classification: Uncertain significance for Inborn genetic diseases. Last evaluated: 2025-08-29. Review status: criteria provided, single submitter. Criteria: Ambry Variant Classification Scheme 2023. Collection method: clinical testing. Allele origin: germline.

Labcorp Genetics (formerly Invitae), Labcorp
Classification: Uncertain significance for Infantile-onset ascending hereditary spastic paralysis. Last evaluated: 2022-08-06. Review status: criteria provided, single submitter. Criteria: Invitae Variant Classification Sherloc (09022015). Collection method: clinical testing. Allele origin: germline.
Comment: Algorithms developed to predict the effect of missense changes on protein structure and function are either unavailable or do not agree on the potential impact of this missense change (SIFT: "Deleterious"; PolyPhen-2: "Probably Damaging"; Align-GVGD: "Class C15"). In summary, the available evidence is currently insufficient to determine the role of this variant in disease. Therefore, it has been classified as a Variant of Uncertain Significance. This sequence change replaces glutamic acid, which is acidic and polar, with aspartic acid, which is acidic and polar, at codon 1222 of the ALS2 protein (p.Glu1222Asp). This variant is present in population databases (rs754647417, gnomAD 0.02%). This variant has not been reported in the literature in individuals affected with ALS2-related conditions.